The following is an entry in ClinVar:

ClinVar aggregate classification (germline): Likely benign (1 of 4 stars; one submission).

Allele frequency attached by ClinVar (database versions not stated): TOPMed 0.00012; 1000 Genomes Project 0.00020; 1000 Genomes Project 30x 0.00047; gnomAD 0.00140 and 0.00149; gnomAD exomes 0.00168.
gnomAD v4.1: 228 of 163,912 alleles (0.14%); highest among the groups gnomAD compares: Non-Finnish European, 0.047%; 1 homozygote.

Submission:

GeneDx
Classification: Likely benign. Last evaluated: 2019-10-14. Review status: criteria provided, single submitter. Criteria: GeneDx Variant Classification Process June 2021. Collection method: clinical testing. Allele origin: germline. Affected: yes.
Comment: See Variant Classification Assertion Criteria.

NM_020774.4(MIB1):c.-281C>T

Genes: MIB1 (MIB E3 ubiquitin protein ligase 1; plus strand), LOC130062254 (ATAC-STARR-seq lymphoblastoid silent region 9344; plus strand). Cytogenetic location: 18q11.2.
Variant type: single nucleotide variant.
Coding change: c.-281C>T on transcript NM_020774.4 (MANE Select); 281 bases upstream of the start codon, C replaced by T.
Molecular consequence: 5 prime UTR variant.
Genome position (GRCh38, 1-based): chr18:21,741,303, C>T. VCF-style: chr18-21741303-C-T. GRCh37 (hg19) VCF-style: chr18-19321264-C-T.
Identifiers: ClinVar variation 1691591 (VCV001691591.3), dbSNP rs556617397, ClinGen allele CA297002101.
Genomic context (GRCh38, chr18:21,741,303, plus strand): 5'-CCTTGCGGCCGTCGCTGTAGCCTGGCCGGGGAGCCCGGAGGAAGCGGGAGAGTCCCCGCC[C>T]ACGGCCCCCTCCCCTCTGCCCGCTCTCCGCCGCCGCCTCCGAGCAGCCGCGGGCCGCCCT-3'